The following is an entry in ClinVar:

ClinVar aggregate classification (germline): Uncertain significance (1 of 4 stars; one submission).

gnomAD v4.1: 1 of 1,613,208 alleles (0.000062%); highest among the groups gnomAD compares: Non-Finnish European, 0.000085%; no homozygotes.

Submission:

CeGaT Center for Human Genetics Tuebingen
Classification: Uncertain significance. Last evaluated: 2025-06-01. Review status: criteria provided, single submitter. Criteria: CeGaT Center For Human Genetics Tuebingen Variant Classification Criteria Version 2. Collection method: clinical testing. Allele origin: germline. Affected: yes. Observed: 1 variant allele.
Comment: UNC79: PM2

NM_001395159.1(UNC79):c.6143A>G (p.Lys2048Arg)

Gene: UNC79 (unc-79 subunit of NALCN channel complex; plus strand). Cytogenetic location: 14q32.12.
Variant type: single nucleotide variant.
Coding change: c.6143A>G on transcript NM_001395159.1 (MANE Select); coding-DNA position 6143, A replaced by G.
Protein change: p.Lys2048Arg; replaces lysine 2048 with arginine.
Molecular consequence: missense variant.
Genome position (GRCh38, 1-based): chr14:93,641,154, A>G. VCF-style: chr14-93641154-A-G. GRCh37 (hg19) VCF-style: chr14-94107500-A-G.
Other names: c.6077A>G, p.Lys2026Arg (NM_001346218.2); c.5396A>G, p.Lys1799Arg (NM_020818.5); short protein forms K1799R, K2026R, K2048R.
Identifiers: ClinVar variation 4085141 (VCV004085141.8).